The following is an entry in ClinVar:

ClinVar aggregate classification (germline): Uncertain significance. Review status: criteria provided, multiple submitters, no conflicts (2 of 4 stars). 2 submissions from 2 submitters: Uncertain significance (2). Last evaluated 2024-02-20.

Conditions:
Hereditary cancer-predisposing syndrome. Also called: Hereditary Cancer Syndrome; Neoplastic Syndromes, Hereditary; Tumor predisposition; Hereditary neoplastic syndrome. Identifiers: Orphanet 140162, MedGen C0027672, MeSH D009386, MONDO:0015356.

Allele frequency attached by ClinVar (database versions not stated): gnomAD exomes below 0.00001.
gnomAD v4.1: 2 of 1,613,956 alleles (0.00012%); highest among the groups gnomAD compares: South Asian, 0.0022%; no homozygotes.

Submissions (2):

Ambry Genetics
Classification: Uncertain significance for Hereditary cancer-predisposing syndrome. Last evaluated: 2024-02-20. Review status: criteria provided, single submitter. Criteria: Ambry Variant Classification Scheme 2023. Collection method: clinical testing. Allele origin: germline.
Comment: The p.Q2215H variant (also known as c.6645G>T), located in coding exon 15 of the APC gene, results from a G to T substitution at nucleotide position 6645. The glutamine at codon 2215 is replaced by histidine, an amino acid with highly similar properties. This amino acid position is conserved. In addition, in silico predictors for this gene do not accurately predict pathogenicity. Based on the available evidence, the clinical significance of this alteration remains unclear.

Color Diagnostics, LLC DBA Color Health
Classification: Uncertain significance for Hereditary cancer-predisposing syndrome. Last evaluated: 2023-12-05. Review status: criteria provided, single submitter. Criteria: ACMG Guidelines, 2015. Collection method: clinical testing. Allele origin: germline.
Comment: This missense variant replaces glutamine with histidine at codon 2215 of the APC protein. Computational prediction suggests that this variant may not impact protein structure and function (internally defined REVEL score threshold <= 0.5, PMID: 27666373). To our knowledge, functional studies have not been reported for this variant. This variant has not been reported in individuals affected with APC-related disorders in the literature. This variant has not been identified in the general population by the Genome Aggregation Database (gnomAD). The available evidence is insufficient to determine the role of this variant in disease conclusively. Therefore, this variant is classified as a Variant of Uncertain Significance.

NM_000038.6(APC):c.6645G>T (p.Gln2215His)

Gene: APC (APC regulator of Wnt signaling pathway; plus strand). Cytogenetic location: 5q22.2.
Variant type: single nucleotide variant.
Coding change: c.6645G>T on transcript NM_000038.6 (MANE Select); coding-DNA position 6645, G replaced by T.
Protein change: p.Gln2215His; replaces glutamine 2215 with histidine.
Molecular consequence: missense variant.
Genome position (GRCh38, 1-based): chr5:112,842,239, G>T. VCF-style: chr5-112842239-G-T. GRCh37 (hg19) VCF-style: chr5-112177936-G-T.
Other names: c.6645G>T, p.Gln2215His (NM_001127510.3, NM_001354895.2); c.6591G>T, p.Gln2197His (NM_001127511.3); c.6699G>T, p.Gln2233His (NM_001354896.2); c.6675G>T, p.Gln2225His (NM_001354897.2); c.6570G>T, p.Gln2190His (NM_001354898.2); c.6561G>T, p.Gln2187His (NM_001354899.2); c.6522G>T, p.Gln2174His (NM_001354900.2); c.6468G>T, p.Gln2156His (NM_001354901.2); and 5 more; short protein forms Q2197H, Q2215H, Q2055H, Q2187H, Q2225H, Q2089H, Q2114H, Q2124H.
Identifiers: ClinVar variation 489483 (VCV000489483.7), dbSNP rs951673309, ClinGen allele CA16035869.